The following is an entry in ClinVar:

NM_015450.3(POT1):c.146T>C (p.Ile49Thr)

Gene: POT1 (protection of telomeres 1; minus strand). Cytogenetic location: 7q31.33.
Variant type: single nucleotide variant.
Coding change: c.146T>C on transcript NM_015450.3 (MANE Select); coding-DNA position 146, T replaced by C.
Protein change: p.Ile49Thr; replaces isoleucine 49 with threonine.
Molecular consequence: missense variant. On other transcripts: non-coding transcript variant (3), intron variant (1).
Genome position (GRCh38, 1-based): chr7:124,871,020, A>G on the plus strand (T>C on the coding strand, the complement: POT1 is on the minus strand). VCF-style: chr7-124871020-A-G. GRCh37 (hg19) VCF-style: chr7-124511074-A-G.
Other names: c.-138-7380T>C (NM_001042594.2); c.146T>C (NM_015450.2); short protein forms I49T.
Identifiers: ClinVar variation 2102378 (VCV002102378.5), dbSNP rs2485505269, ClinGen allele CA369061671.
Genomic context (GRCh38, chr7:124,871,020, plus strand): 5'-AGGGCTTCATAGTTTCCACTAAAGAGCAGGCAAGTTAGTTTTACATTTGTCTGGTCCACA[A>G]TAGTTACAACTGAGCAATAATCTGGAAAACACAAAAATATTTTACCTGACTTTCAATATT-3'
Protein context (NP_056265.2, residues 39-59): KGTDYCSVVT[Ile49Thr]VDQTNVKLTC

ClinVar aggregate classification (germline): Uncertain significance. Review status: criteria provided, multiple submitters, no conflicts (2 of 4 stars). 3 submissions from 3 submitters: Uncertain significance (3). Last evaluated 2026-04-06.

Conditions:
Hereditary cancer-predisposing syndrome. Also called: Neoplastic Syndromes, Hereditary; Tumor predisposition; Hereditary Cancer Syndrome; Hereditary neoplastic syndrome. Identifiers: Orphanet 140162, MedGen C0027672, MeSH D009386, MONDO:0015356.
Tumor predisposition syndrome 3 (TPDS3). Also called: Melanoma, cutaneous malignant, susceptibility to, 10; LONG TELOMERE SYNDROME, POT1-RELATED; POT1 Tumor Predisposition; Glioma susceptibility 9. Identifiers: Orphanet 618, MedGen C4014476, MONDO:0014368, OMIM 615848.

Submissions (3):

Ambry Genetics
Classification: Uncertain significance for Hereditary cancer-predisposing syndrome. Last evaluated: 2026-04-06. Review status: criteria provided, single submitter. Criteria: Ambry Variant Classification Scheme 2023. Collection method: clinical testing. Allele origin: germline.
Comment: The p.I49T variant (also known as c.146T>C), located in coding exon 3 of the POT1 gene, results from a T to C substitution at nucleotide position 146. The isoleucine at codon 49 is replaced by threonine, an amino acid with similar properties. This amino acid position is well conserved in available vertebrate species. In addition, the in silico prediction for this alteration is inconclusive. Based on the available evidence, the clinical significance of this variant remains unclear.

GeneDx
Classification: Uncertain significance. Last evaluated: 2024-08-13. Review status: criteria provided, single submitter. Criteria: GeneDx Variant Classification Process June 2021. Collection method: clinical testing. Allele origin: germline. Affected: yes.
Comment: Not observed at significant frequency in large population cohorts (gnomAD); In silico analysis supports that this missense variant has a deleterious effect on protein structure/function; Has not been previously published as pathogenic or benign to our knowledge; This variant is associated with the following publications: (PMID: 28393830)

Labcorp Genetics (formerly Invitae), Labcorp
Classification: Uncertain significance for Tumor predisposition syndrome 3. Last evaluated: 2022-02-23. Review status: criteria provided, single submitter. Criteria: Invitae Variant Classification Sherloc (09022015). Collection method: clinical testing. Allele origin: germline.
Comment: In summary, the available evidence is currently insufficient to determine the role of this variant in disease. Therefore, it has been classified as a Variant of Uncertain Significance. Algorithms developed to predict the effect of missense changes on protein structure and function are either unavailable or do not agree on the potential impact of this missense change (SIFT: "Deleterious"; PolyPhen-2: "Probably Damaging"; Align-GVGD: "Class C0"). This variant has not been reported in the literature in individuals affected with POT1-related conditions. This variant is not present in population databases (gnomAD no frequency). This sequence change replaces isoleucine, which is neutral and non-polar, with threonine, which is neutral and polar, at codon 49 of the POT1 protein (p.Ile49Thr).